The following is an entry in ClinVar:

ClinVar aggregate classification (germline): Uncertain significance (1 of 4 stars; one submission).

Conditions:
Hypogonadotropic hypogonadism 2 with or without anosmia (HH2). Also called: HYPOGONADOTROPIC HYPOGONADISM 2 WITHOUT ANOSMIA, SUSCEPTIBILITY TO; HYPOGONADOTROPIC HYPOGONADISM 2 WITHOUT ANOSMIA; HYPOGONADOTROPIC HYPOGONADISM 2 WITH OR WITHOUT ANOSMIA, SUSCEPTIBILITY TO; FGFR1-Related GnRH Deficiency (Kallmann Syndrome 2). Identifiers: Orphanet 478, MedGen C1563720, MONDO:0007844, OMIM 147950. Disease mechanism: loss of function.

gnomAD v4.1: 2 of 1,613,928 alleles (0.00012%); highest among the groups gnomAD compares: Non-Finnish European, 0.00017%; no homozygotes.

Submission:

3billion
Classification: Uncertain significance for Hypogonadotropic hypogonadism 2 with or without anosmia. Last evaluated: 2025-12-17. Review status: criteria provided, single submitter. Criteria: ACMG Guidelines, 2015. Collection method: clinical testing. Allele origin: germline. Affected: yes.
Comment: The variant is observed at an extremely low frequency in the gnomAD v4.1.0 dataset (total allele frequency: <0.001%). Predicted Consequence/Location: Intron variant In silico tools predict the variant to alter splicing and produce an abnormal transcript [SpliceAI: 0.23 (>=0.2, moderate evidence for spliceogenicity)]. Therefore, this variant is classified as VUS according to the recommendation of ACMG/AMP guideline.

NM_023110.3(FGFR1):c.449-4G>A

Gene: FGFR1 (fibroblast growth factor receptor 1; minus strand). Cytogenetic location: 8p11.23.
Variant type: single nucleotide variant.
Coding change: c.449-4G>A on transcript NM_023110.3 (MANE Select); 4 bases into the intron before coding-DNA position 449, G replaced by A.
Molecular consequence: intron variant.
Genome position (GRCh38, 1-based): chr8:38,428,097, C>T on the plus strand (G>A on the coding strand, the complement: FGFR1 is on the minus strand). VCF-style: chr8-38428097-C-T. GRCh37 (hg19) VCF-style: chr8-38285615-C-T.
Other names: c.176-4G>A (NM_001354368.2, NM_001354370.2, NM_023106.3); c.182-4G>A (NM_023105.3, NM_001174066.2); c.443-4G>A (NM_001354367.2, NM_015850.4, NM_001354369.2 and 2 more transcripts); c.449-4G>A (NM_001174063.2); c.425-4G>A (NM_001174064.2); c.542-4G>A (NM_001174067.2).
Identifiers: ClinVar variation 4854234 (VCV004854234.1).